The following is an entry in ClinVar:

NM_000245.4(MET):c.2999C>T (p.Ser1000Phe)

Gene: MET (MET proto-oncogene, receptor tyrosine kinase; plus strand). Cytogenetic location: 7q31.2.
Variant type: single nucleotide variant.
Coding change: c.2999C>T on transcript NM_000245.4 (MANE Select); coding-DNA position 2999, C replaced by T.
Protein change: p.Ser1000Phe; replaces serine 1000 with phenylalanine.
Molecular consequence: missense variant.
Genome position (GRCh38, 1-based): chr7:116,771,960, C>T. VCF-style: chr7-116771960-C-T. GRCh37 (hg19) VCF-style: chr7-116412014-C-T.
Other names: c.3053C>T, p.Ser1018Phe (NM_001127500.3); c.1709C>T, p.Ser570Phe (NM_001324402.2); short protein forms S1000F, S570F, S1018F.
Identifiers: ClinVar variation 3695763 (VCV003695763.2).

ClinVar aggregate classification (germline): Uncertain significance (1 of 4 stars; one submission).

Conditions:
Renal cell carcinoma. Identifiers: Orphanet 217071, MedGen C0007134, MeSH D002292, MONDO:0005086, HP:0005584.

gnomAD v4.1: 1 of 1,613,868 alleles (0.000062%); highest among the groups gnomAD compares: Non-Finnish European, 0.000085%; no homozygotes.

Submission:

Labcorp Genetics (formerly Invitae), Labcorp
Classification: Uncertain significance for Renal cell carcinoma. Last evaluated: 2024-02-05. Review status: criteria provided, single submitter. Criteria: Invitae Variant Classification Sherloc (09022015). Collection method: clinical testing. Allele origin: germline.
Comment: This sequence change replaces serine, which is neutral and polar, with phenylalanine, which is neutral and non-polar, at codon 1018 of the MET protein (p.Ser1018Phe). This variant is not present in population databases (gnomAD no frequency). This variant has not been reported in the literature in individuals affected with MET-related conditions. Advanced modeling of protein sequence and biophysical properties (such as structural, functional, and spatial information, amino acid conservation, physicochemical variation, residue mobility, and thermodynamic stability) performed at Invitae indicates that this missense variant is expected to disrupt MET protein function with a positive predictive value of 80%. In summary, the available evidence is currently insufficient to determine the role of this variant in disease. Therefore, it has been classified as a Variant of Uncertain Significance.